The following is an entry in ClinVar:

ClinVar aggregate classification (germline): Conflicting classifications of pathogenicity. Review status: no assertion criteria provided (0 of 4 stars). 2 submissions from 2 submitters: Uncertain significance (1); Likely benign (1). Last evaluated 2019-11-13.

Conditions:
Joubert syndrome. Also called: CEREBELLOPARENCHYMAL DISORDER IV; JOUBERT-BOLTSHAUSER SYNDROME; Familial aplasia of the vermis. Identifiers: Orphanet 475, MedGen C5979921, MONDO:0018772.

Submissions (2):

Genomic Medicine Center of Excellence, King Faisal Specialist Hospital and Research Centre
Classification: Likely benign for Joubert syndrome. Last evaluated: 2019-11-13. Review status: no assertion criteria provided. Criteria: research. Collection method: research. Allele origin: germline. Inheritance: Autosomal recessive inheritance. Affected: yes.

OMIM
Classification: Uncertain significance for VARIANT OF UNKNOWN SIGNIFICANCE. Last evaluated: 2015-01-13. Review status: no assertion criteria provided. Collection method: literature only. Allele origin: germline.

Literature cited by the submitters: PubMed 27894351 (cited by Genomic Medicine Center of Excellence, King Faisal Specialist Hospital and Research Centre); PubMed 25558065 (cited by Genomic Medicine Center of Excellence, King Faisal Specialist Hospital and Research Centre and OMIM).

NM_017990.5(PDPR):c.1360G>T (p.Gly454Cys)

Gene: PDPR (pyruvate dehydrogenase phosphatase regulatory subunit; plus strand). Cytogenetic location: 16q22.1.
Variant type: single nucleotide variant.
Coding change: c.1360G>T on transcript NM_017990.5 (MANE Select); coding-DNA position 1360, G replaced by T.
Protein change: p.Gly454Cys; replaces glycine 454 with cysteine.
Molecular consequence: missense variant.
Genome position (GRCh38, 1-based): chr16:70,142,278, G>T. VCF-style: chr16-70142278-G-T. GRCh37 (hg19) VCF-style: chr16-70176181-G-T.
Other names: c.1360G>T, p.Gly454Cys (NM_001322117.1); c.1060G>T, p.Gly354Cys (NM_001322118.1); c.154G>T, p.Gly52Cys (NM_001322119.1); short protein forms G454C, G354C, G52C.
Identifiers: ClinVar variation 183316 (VCV000183316.4), dbSNP rs202246074, ClinGen allele CA249944.